The following is an entry in ClinVar:

NM_001127208.3(TET2):c.3094delinsGCATG (p.Leu1032fs)

Genes: TET2 (tet methylcytosine dioxygenase 2; plus strand), TET2-AS1 (TET2 antisense RNA 1; minus strand). Cytogenetic location: 4q24.
Variant type: Indel.
Coding change: c.3094delinsGCATG on transcript NM_001127208.3 (MANE Select); coding-DNA position 3094, C replaced by GCATG.
Protein change: p.Leu1032fs; shifts the reading frame from leucine 1032.
Molecular consequence: frameshift variant.
Genome position (GRCh38, 1-based): chr4:105,237,036, C replaced by GCATG. VCF-style: chr4-105237036-C-GCATG. GRCh37 (hg19) VCF-style: chr4-106158193-C-GCATG.
Other names: p.Leu1032Alafs*12; c.3094delCinsGCATG, p.Leu1032Alafs (NM_001127208.2); c.3094delinsGCATG, p.Leu1032fs (NM_017628.4); short protein forms L1032fs.
Identifiers: ClinVar variation 4540990 (VCV004540990.1).

ClinVar aggregate classification (germline): Likely pathogenic (1 of 4 stars; one submission).

Submission:

Mayo Clinic Laboratories, Mayo Clinic
Classification: Likely pathogenic. Last evaluated: 2025-05-01. Review status: criteria provided, single submitter. Criteria: ACMG Guidelines, 2015. Collection method: clinical testing. Allele origin: germline. Observed: 1 variant allele.
Comment: PM2_supporting, PVS1